The following is an entry in ClinVar:

ClinVar aggregate classification (germline): Uncertain significance (1 of 4 stars; one submission).

Conditions:
Fanconi anemia (FA). Also called: Fanconi's anemia. Identifiers: Orphanet 84, MedGen C0015625, MeSH D005199, MONDO:0019391.

Submission:

Labcorp Genetics (formerly Invitae), Labcorp
Classification: Uncertain significance for Fanconi anemia. Last evaluated: 2020-12-16. Review status: criteria provided, single submitter. Criteria: Invitae Variant Classification Sherloc (09022015). Collection method: clinical testing. Allele origin: germline.
Comment: This sequence change falls in intron 14 of the SLX4 gene. It does not directly change the encoded amino acid sequence of the SLX4 protein. This variant is not present in population databases (ExAC no frequency). This variant has not been reported in the literature in individuals with SLX4-related conditions. Algorithms developed to predict the effect of sequence changes on RNA splicing suggest that this variant may disrupt the consensus splice site, but this prediction has not been confirmed by published transcriptional studies. In summary, the available evidence is currently insufficient to determine the role of this variant in disease. Therefore, it has been classified as a Variant of Uncertain Significance.

NM_032444.4(SLX4):c.5154-9T>A

Gene: SLX4 (SLX4 structure-specific endonuclease subunit; minus strand). Cytogenetic location: 16p13.3.
Variant type: single nucleotide variant.
Coding change: c.5154-9T>A on transcript NM_032444.4 (MANE Select); 9 bases into the intron before coding-DNA position 5154, T replaced by A.
Molecular consequence: intron variant.
Genome position (GRCh38, 1-based): chr16:3,582,702, A>T on the plus strand (T>A on the coding strand, the complement: SLX4 is on the minus strand). VCF-style: chr16-3582702-A-T. GRCh37 (hg19) VCF-style: chr16-3632703-A-T.
Identifiers: ClinVar variation 1512111 (VCV001512111.8), dbSNP rs1372404016, ClinGen allele CA2573152038.
Genomic context (GRCh38, chr16:3,582,702, plus strand): 5'-CTCCTCTTCACCTGCAGACTCAAATGCCGCTCCAAACTCACAGGAGGAAGAACTGAAAAG[A>T]GCCAGACCAGGACGTTGTGCAACCCCTTTCTCTCCAGCCCCTGAGACCATGAGCCTCTTT-3'